The following is an entry in ClinVar:

ClinVar aggregate classification (germline): Likely benign (1 of 4 stars; one submission).

Conditions:
Neurofibromatosis, type 1 (NF1). Also called: VON RECKLINGHAUSEN DISEASE; NEUROFIBROMATOSIS, TYPE I, SOMATIC; Peripheral type neurofibromatosis; Neurofibromatosis, type I. Identifiers: Orphanet 636, MedGen C0027831, MONDO:0018975, OMIM 162200. Disease mechanism: loss of function.

Submission:

Myriad Genetics, Inc.
Classification: Likely benign for Neurofibromatosis, type 1. Last evaluated: 2026-05-13. Review status: criteria provided, single submitter. Criteria: Myriad Autosomal Dominant, Autosomal Recessive and X-Linked Classification Criteria (2023). Collection method: clinical testing. Allele origin: unknown.
Comment: This variant is considered likely benign. This variant is intronic and is not expected to impact mRNA splicing.

NM_001042492.3(NF1):c.4836-15T>C

Gene: NF1 (neurofibromin 1; plus strand). Cytogenetic location: 17q11.2.
Variant type: single nucleotide variant.
Coding change: c.4836-15T>C on transcript NM_001042492.3 (MANE Select); 15 bases into the intron before coding-DNA position 4836, T replaced by C.
Molecular consequence: intron variant.
Genome position (GRCh38, 1-based): chr17:31,325,805, T>C. VCF-style: chr17-31325805-T-C. GRCh37 (hg19) VCF-style: chr17-29652823-T-C.
Other names: c.4773-15T>C (NM_000267.4).
Identifiers: ClinVar variation 4876187 (VCV004876187.1).